The following is an entry in ClinVar:

NM_000236.3(LIPC):c.1087C>A (p.Gln363Lys)

Gene: LIPC (lipase C, hepatic type; plus strand). Cytogenetic location: 15q21.3.
Variant type: single nucleotide variant.
Coding change: c.1087C>A on transcript NM_000236.3 (MANE Select); coding-DNA position 1087, C replaced by A.
Protein change: p.Gln363Lys; replaces glutamine 363 with lysine.
Molecular consequence: missense variant.
Genome position (GRCh38, 1-based): chr15:58,560,899, C>A. VCF-style: chr15-58560899-C-A. GRCh37 (hg19) VCF-style: chr15-58853098-C-A.
Other names: short protein forms Q363K.
Identifiers: ClinVar variation 2200324 (VCV002200324.4), dbSNP rs764783951, ClinGen allele CA7585115.

ClinVar aggregate classification (germline): Uncertain significance (1 of 4 stars; one submission).

Allele frequency attached by ClinVar (database versions not stated): gnomAD exomes below 0.00001; ExAC 0.00001; gnomAD 0.00001; TOPMed 0.00001.
gnomAD v4.1: 10 of 1,480,988 alleles (0.00068%); highest among the groups gnomAD compares: Middle Eastern, 0.017%; no homozygotes.

Submission:

Labcorp Genetics (formerly Invitae), Labcorp
Classification: Uncertain significance. Last evaluated: 2025-11-22. Review status: criteria provided, single submitter. Criteria: Invitae Variant Classification Sherloc (09022015). Collection method: clinical testing. Allele origin: germline.
Comment: This sequence change replaces glutamine, which is neutral and polar, with lysine, which is basic and polar, at codon 363 of the LIPC protein (p.Gln363Lys). This variant is present in population databases (rs764783951, gnomAD 0.0009%). This missense change has been observed in individual(s) with dyslipidemia (PMID: 36325899). ClinVar contains an entry for this variant (Variation ID: 2200324). Invitae Evidence Modeling of protein sequence and biophysical properties (such as structural, functional, and spatial information, amino acid conservation, physicochemical variation, residue mobility, and thermodynamic stability) indicates that this missense variant is not expected to disrupt LIPC protein function with a negative predictive value of 80%. In summary, the available evidence is currently insufficient to determine the role of this variant in disease. Therefore, it has been classified as a Variant of Uncertain Significance.

Literature cited by the submitters: PubMed 36325899.